The following is an entry in ClinVar:

NM_001127511.3(APC):c.165+21247G>C

Gene: APC (APC regulator of Wnt signaling pathway; plus strand). Cytogenetic location: 5q22.2.
Variant type: single nucleotide variant.
Coding change: c.165+21247G>C on transcript NM_001127511.3; 21247 bases into the intron after coding-DNA position 165, G replaced by C.
Molecular consequence: intron variant.
Genome position (GRCh38, 1-based): chr5:112,729,129, G>C. VCF-style: chr5-112729129-G-C. GRCh37 (hg19) VCF-style: chr5-112064826-G-C.
Other names: c.165+21247G>C (NM_001354902.2, NM_001407446.1, NM_001354897.2); c.-19+21480G>C (NM_001407448.1, NM_001407450.1, NM_001407457.1 and 1 more transcripts); c.-43+21480G>C (NM_001407453.1); c.-1054+21247G>C (NM_001407470.1, NM_001407472.1); c.-19+21247G>C (NM_001407447.1, NM_001354895.2, NM_001407456.1 and 3 more transcripts).
Identifiers: ClinVar variation 82712 (VCV000082712.4), dbSNP rs464338, ClinGen allele CA023527.

ClinVar aggregate classification (germline): other (0 of 4 stars; one submission).

Conditions:
Familial colorectal cancer. Identifiers: MedGen CN280943, MONDO:0023113. Disease mechanism: loss of function.

Allele frequency attached by ClinVar (database versions not stated): TOPMed 0.98476; gnomAD 0.98497 and 0.98616; 1000 Genomes Project 30x 0.98657; 1000 Genomes Project 0.98742.
gnomAD v4.1: 150,257 of 152,336 alleles (99%); highest among the groups gnomAD compares: Middle Eastern, 100%; 74,138 homozygotes.

Submission:

Systems Biology Platform Zhejiang California International NanoSystems Institute
Classification: other for Familial colorectal cancer. Review status: no assertion criteria provided. Collection method: not provided. Allele origin: unknown.
ClinVar note: Converted during submission from cancer to other.